The following is an entry in ClinVar:

NM_007118.4(TRIO):c.9061C>T (p.Gln3021Ter)

Gene: TRIO (trio Rho guanine nucleotide exchange factor; plus strand). Cytogenetic location: 5p15.2.
Variant type: single nucleotide variant.
Coding change: c.9061C>T on transcript NM_007118.4 (MANE Select); coding-DNA position 9061, C replaced by T.
Protein change: p.Gln3021Ter; replaces glutamine 3021 with a stop codon.
Molecular consequence: nonsense. On other transcripts: non-coding transcript variant (1).
Genome position (GRCh38, 1-based): chr5:14,508,189, C>T. VCF-style: chr5-14508189-C-T. GRCh37 (hg19) VCF-style: chr5-14508298-C-T.
Other names: short protein forms Q3021*.
Identifiers: ClinVar variation 2692454 (VCV002692454.1), dbSNP rs752230107, ClinGen allele CA3208035.

ClinVar aggregate classification (germline): Uncertain significance (1 of 4 stars; one submission).

Allele frequency attached by ClinVar (database versions not stated): gnomAD exomes below 0.00001; TOPMed below 0.00001; ExAC 0.00001.
gnomAD v4.1: 1 of 1,614,140 alleles (0.000062%); highest among the groups gnomAD compares: Admixed American, 0.0017%; no homozygotes.

Submission:

Greenwood Genetic Center Diagnostic Laboratories, Greenwood Genetic Center
Classification: Uncertain significance. Last evaluated: 2023-11-09. Review status: criteria provided, single submitter. Criteria: ACMG Guidelines, 2015. Collection method: clinical testing. Allele origin: germline. Affected: yes.
Comment: PM2